The following is an entry in ClinVar:

ClinVar aggregate classification (germline): Benign (0 of 4 stars; one submission).

Conditions:
Keratoconus 1 (KTCN1). Identifiers: MedGen C1835677, MONDO:0007851, OMIM 148300.

gnomAD v4.1: 2 of 1,549,790 alleles (0.00013%); highest among the groups gnomAD compares: South Asian, 0.0024%; no homozygotes.

Submission:

Willoughby Group, Queen's University Belfast
Classification: Benign for Keratoconus 1. Review status: no assertion criteria provided. Collection method: not provided. Allele origin: germline.
ClinVar note: Converted during submission from non-pathogenic to Benign.

NM_001367624.2(ZNF469):c.2643C>G (p.Ser881=)

Gene: ZNF469 (zinc finger protein 469; plus strand). Cytogenetic location: 16q24.2.
Variant type: single nucleotide variant.
Coding change: c.2643C>G on transcript NM_001367624.2 (MANE Select); coding-DNA position 2643, C replaced by G.
Protein change: p.Ser881=; no amino-acid change (serine 881 retained).
Molecular consequence: synonymous variant.
Genome position (GRCh38, 1-based): chr16:88,430,113, C>G. VCF-style: chr16-88430113-C-G. GRCh37 (hg19) VCF-style: chr16-88496521-C-G.
Identifiers: ClinVar variation 126921 (VCV000126921.2), dbSNP rs273585635, ClinGen allele CA151281.
Genomic context (GRCh38, chr16:88,430,113, plus strand): 5'-CAGCAGCTTCATCGACGTCTTCGCGGACGAGGAGCCTTCCGGCCCCAGAGGTCCCAGCTC[C>G]GGACACCCCCTTAAGAGCAAGGCGGGGGTGACTCCAGAGAGCAAAGCTCCGCCCCCGCTC-3'
Protein context (NP_001354553.1, residues 871-891): EEPSGPRGPS[Ser881=]GHPLKSKAGV